The following is an entry in ClinVar:

ClinVar aggregate classification (germline): Conflicting classifications of pathogenicity. Review status: criteria provided, conflicting classifications (1 of 4 stars). 7 submissions from 7 submitters: Uncertain significance (4); Likely benign (2). 1 of the submissions does not count toward it. Last evaluated 2026-02-02.

Conditions:
NEBL-related disorder. Also called: NEBL-related condition.
Primary dilated cardiomyopathy (DCM). Also called: Dilated Cardiomyopathy. Identifiers: Orphanet 217604, MedGen C0007193, MeSH D002311, MONDO:0005021, HP:0001644. Inheritance: Various modes of inheritance.

Allele frequency attached by ClinVar (database versions not stated): ExAC 0.00020; 1000 Genomes Project 30x 0.00094; gnomAD 0.00056 and 0.00064; TOPMed 0.00065; ESP Exome Variant Server 0.00054; gnomAD exomes 0.00017; 1000 Genomes Project 0.00060.
gnomAD v4.1: 292 of 1,613,440 alleles (0.018%); highest among the groups gnomAD compares: African/African-American, 0.18%; no homozygotes.

Submissions (7):

Labcorp Genetics (formerly Invitae), Labcorp
Classification: Likely benign for Primary dilated cardiomyopathy. Last evaluated: 2026-02-02. Review status: criteria provided, single submitter. Criteria: Invitae Variant Classification Sherloc (09022015). Collection method: clinical testing. Allele origin: germline.

Women's Health and Genetics/Laboratory Corporation of America, LabCorp
Classification: Likely benign. Last evaluated: 2025-03-08. Review status: criteria provided, single submitter. Criteria: LabCorp Variant Classification Summary - May 2015. Collection method: clinical testing. Allele origin: germline.

Ambry Genetics
Classification: Uncertain significance. Last evaluated: 2021-09-01. Review status: criteria provided, single submitter. Criteria: Ambry Variant Classification Scheme 2023. Collection method: clinical testing. Allele origin: germline.

Center for Genomics, Ann and Robert H. Lurie Children's Hospital of Chicago
Classification: Uncertain significance. Last evaluated: 2021-03-30. Review status: criteria provided, single submitter. Criteria: ACMG Guidelines, 2015. Collection method: clinical testing. Allele origin: germline.
Comment: NEBL NM_006393.2 exon 25 p.Arg694Trp (c.2080C>T): This variant has not been reported in the literature and is present in 0.1% (38/24960) of African alleles in the Genome Aggregation Database. This variant is present in ClinVar (Variation ID:45491). Evolutionary conservation and computational predictive tools for this variant are unclear. In summary, data on this variant is insufficient for disease classification. Therefore, the clinical significance of this variant is uncertain.

GeneDx
Classification: Uncertain significance. Last evaluated: 2017-07-14. Review status: criteria provided, single submitter. Criteria: GeneDx Variant Classification (06012015). Collection method: clinical testing. Allele origin: germline. Affected: yes.
Comment: A variant of uncertain significance has been identified in the NEBL gene. The R694W variant has not been published as a pathogenic variant or reported as a benign variant, to our knowledge. The NHLBI Exome Sequencing Project, Exome Aggregation Consortium (ExAC) and the 1000 Genomes Project reports R694W was observed in 0.1-0.2% of individuals of African background, indicating it may be a rare (benign) variant in this population. This substitution occurs at a position that is not conserved across species. Nevertheless, the R694W variant is a non-conservative amino acid substitution, which is likely to impact secondary protein structure as these residues differ in polarity, charge, size and/or other properties. Finally, in silico analysis predicts this variant is probably damaging to the protein structure/function.

Laboratory for Molecular Medicine, Mass General Brigham Personalized Medicine
Classification: Uncertain significance. Last evaluated: 2013-01-23. Review status: criteria provided, single submitter. Criteria: LMM Criteria. Collection method: clinical testing. Allele origin: germline. Observed: 1 variant allele.
Comment: Variant classified as Uncertain Significance - Favor Benign. The Arg694Trp varia nt in NEBL has not been reported in the literature nor previously identified by our laboratory. This variant has been identified in 0.16% (7/4406) of African Am erican chromosomes from a broad population by the NHLBI Exome Sequencing Project (dbSNP rs114875104). This frequency is too l ow to rule out a role in disease. Arginine (Arg) at position 694 is not conserve d in evolution, suggesting that a change to this position may be tolerated. This variant is less likely disease causing but additional studies are needed to ful ly assess its clinical significance.

PreventionGenetics, part of Exact Sciences
Classification: Likely benign for NEBL-related condition. Last evaluated: 2022-08-24. Review status: no assertion criteria provided. Collection method: clinical testing. Allele origin: germline. Not counted in ClinVar's aggregate classification.
Comment: This variant is classified as likely benign based on ACMG/AMP sequence variant interpretation guidelines (Richards et al. 2015 PMID: 25741868, with internal and published modifications).

NM_006393.3(NEBL):c.2080C>T (p.Arg694Trp)

Genes: NEBL (nebulette; minus strand), LOC126860875 (MED14-independent group 3 enhancer GRCh37_chr10:21105746-21106945; plus strand). Cytogenetic location: 10p12.31.
Variant type: single nucleotide variant.
Coding change: c.2080C>T on transcript NM_006393.3 (MANE Select); coding-DNA position 2080, C replaced by T.
Protein change: p.Arg694Trp; replaces arginine 694 with tryptophan.
Molecular consequence: missense variant. On other transcripts: intron variant (9).
Genome position (GRCh38, 1-based): chr10:20,817,668, G>A on the plus strand (C>T on the coding strand, the complement: NEBL is on the minus strand). VCF-style: chr10-20817668-G-A. GRCh37 (hg19) VCF-style: chr10-21106597-G-A.
Other names: c.250-4728C>T (NM_001377326.1, NM_001377327.1, NM_001377328.1); c.358-4728C>T (NM_213569.2, NM_001173484.2, NM_001377322.1); c.301-4728C>T (NM_001377324.1); c.292-4728C>T (NM_001377325.1); c.310-4728C>T (NM_001377323.1); short protein forms R694W.
Identifiers: ClinVar variation 45491 (VCV000045491.22), dbSNP rs114875104, ClinGen allele CA136426.
Genomic context (GRCh38, chr10:20,817,668, plus strand): 5'-TGTTTTTCTGGTTTTCTTTTGCCCTCTTCAGCTCTGGTGGATCAGAAATTGCAGTTCCCC[G>A]TTGAAGTTCTCCCTTATATTTTACCTAAGAAGGATAAATAAGAACTTTAACAGATAGCAC-3'
Protein context (NP_006384.1, residues 684-704): SAVKYKGELQ[Arg694Trp]GTAISDPPEL